The following is an entry in ClinVar:

ClinVar aggregate classification (germline): Likely pathogenic (1 of 4 stars; one submission).

Conditions:
Joubert syndrome 21 (JBTS21). Identifiers: MedGen C3810212, MONDO:0014288, OMIM 615636.

Submission:

Labcorp Genetics (formerly Invitae), Labcorp
Classification: Likely pathogenic for Joubert syndrome 21. Last evaluated: 2023-02-22. Review status: criteria provided, single submitter. Criteria: Invitae Variant Classification Sherloc (09022015). Collection method: clinical testing. Allele origin: germline.
Comment: In summary, the currently available evidence indicates that the variant is pathogenic, but additional data are needed to prove that conclusively. Therefore, this variant has been classified as Likely Pathogenic. Algorithms developed to predict the effect of sequence changes on RNA splicing suggest that this variant may disrupt the consensus splice site. This variant has not been reported in the literature in individuals affected with CSPP1-related conditions. This variant is not present in population databases (gnomAD no frequency). This sequence change affects a donor splice site in intron 7 of the CSPP1 gene. It is expected to disrupt RNA splicing. Variants that disrupt the donor or acceptor splice site typically lead to a loss of protein function (PMID: 16199547), and loss-of-function variants in CSPP1 are known to be pathogenic (PMID: 24360807, 24360808).

Literature cited by the submitters: PubMed 16199547; PubMed 24360807; PubMed 24360808.

NM_001382391.1(CSPP1):c.1022+1G>C

Gene: CSPP1 (centrosome and spindle pole associated protein 1; plus strand). Cytogenetic location: 8q13.2.
Variant type: single nucleotide variant.
Coding change: c.1022+1G>C on transcript NM_001382391.1 (MANE Select); the canonical splice donor site of the intron after coding-DNA position 1022, G replaced by C.
Molecular consequence: splice donor variant. On other transcripts: intron variant (2).
Genome position (GRCh38, 1-based): chr8:67,103,136, G>C. VCF-style: chr8-67103136-G-C. GRCh37 (hg19) VCF-style: chr8-68015371-G-C.
Other names: c.1022+1G>C (NM_001363132.2); c.941+1G>C (NM_001363131.2, NM_001363133.2); c.1130+1G>C (NM_001364869.1); c.1049+1G>C (NM_024790.7, NM_001438331.1, NM_001438330.1); c.951-2769G>C (NM_001364870.1); c.950+7404G>C (NM_001438332.1); c.167+1G>C (NM_001291339.2).
Identifiers: ClinVar variation 2840021 (VCV002840021.3), dbSNP rs2129547115, ClinGen allele CA371194061.